The following is an entry in ClinVar:

NM_014014.5(SNRNP200):c.3888C>G (p.Pro1296=)

Gene: SNRNP200 (small nuclear ribonucleoprotein U5 subunit 200; minus strand). Cytogenetic location: 2q11.2.
Variant type: single nucleotide variant.
Coding change: c.3888C>G on transcript NM_014014.5 (MANE Select); coding-DNA position 3888, C replaced by G.
Protein change: p.Pro1296=; no amino-acid change (proline 1296 retained).
Molecular consequence: synonymous variant.
Genome position (GRCh38, 1-based): chr2:96,286,426, G>C on the plus strand (C>G on the coding strand, the complement: SNRNP200 is on the minus strand). VCF-style: chr2-96286426-G-C. GRCh37 (hg19) VCF-style: chr2-96952164-G-C.
Other names: c.3888C>G (NM_014014.4).
Identifiers: ClinVar variation 1127413 (VCV001127413.13), dbSNP rs143175658, ClinGen allele CA1778354.

ClinVar aggregate classification (germline): Likely benign. Review status: criteria provided, multiple submitters, no conflicts (2 of 4 stars). 4 submissions from 4 submitters: Likely benign (4). Last evaluated 2026-02-06.

Conditions:
SNRNP200-related disorder. Also called: SNRNP200-related condition.
Retinal dystrophy. Also called: Inherited retinal dystrophy. Identifiers: Orphanet 71862, MedGen C0854723, MeSH D058499, MONDO:0019118, HP:0000556.

Allele frequency attached by ClinVar (database versions not stated): ESP Exome Variant Server 0.00008.
gnomAD v4.1: 23 of 1,614,078 alleles (0.0014%); highest among the groups gnomAD compares: East Asian, 0.0067%; no homozygotes.

Submissions (4):

PreventionGenetics, part of Exact Sciences
Classification: Likely benign for SNRNP200-related condition. Last evaluated: 2026-02-06. Review status: criteria provided, single submitter. Criteria: ACMG Guidelines, 2015. Collection method: clinical testing. Allele origin: germline.
Comment: This variant is classified as likely benign based on ACMG/AMP sequence variant interpretation guidelines (Richards et al. 2015 PMID: 25741868, with internal and published modifications).

Labcorp Genetics (formerly Invitae), Labcorp
Classification: Likely benign. Last evaluated: 2026-01-13. Review status: criteria provided, single submitter. Criteria: Invitae Variant Classification Sherloc (09022015). Collection method: clinical testing. Allele origin: germline.

Dept Of Ophthalmology, Nagoya University
Classification: Likely benign for Retinal dystrophy. Last evaluated: 2023-10-01. Review status: criteria provided, single submitter. Criteria: Submitter's publication. Collection method: research. Allele origin: germline. Affected: yes.

Blueprint Genetics
Classification: Likely benign. Last evaluated: 2021-02-08. Review status: criteria provided, single submitter. Criteria: ACMG Guidelines, 2015. Collection method: clinical testing. Allele origin: germline.